The following is an entry in ClinVar:

ClinVar aggregate classification (germline): Uncertain significance. Review status: criteria provided, multiple submitters, no conflicts (2 of 4 stars). 3 submissions from 3 submitters: Uncertain significance (3). Last evaluated 2026-08-04.

Conditions:
3-methylglutaconic aciduria, type VIIB (MGCA7B). Also called: 3-methylglutaconic aciduria, type VII, with cataracts, neurologic involvement and neutropenia; 3-methylglutaconic aciduria with cataracts, neurologic involvement and neutropenia; CLPB Deficiency. Identifiers: Orphanet 445038, MedGen C5676893, MONDO:0014561, OMIM 616271.
CLPB-related disorder. Also called: CLPB-related condition.
Inborn genetic diseases. Identifiers: MedGen C0950123, MeSH D030342.

Allele frequency attached by ClinVar (database versions not stated): gnomAD exomes 0.00001; TOPMed 0.00001.
gnomAD v4.1: 17 of 1,610,220 alleles (0.0011%); highest among the groups gnomAD compares: Non-Finnish European, 0.0014%; no homozygotes.

Submissions (3):

PreventionGenetics, part of Exact Sciences
Classification: Uncertain significance for CLPB-related condition. Last evaluated: 2026-08-04. Review status: criteria provided, single submitter. Criteria: ACMG Guidelines, 2015. Collection method: clinical testing. Allele origin: germline.
Comment: The CLPB c.976C>G variant is predicted to result in the amino acid substitution p.Gln326Glu. To our knowledge, this variant has not been reported in the literature. This variant is reported in 0.0027% of alleles in individuals of European (Non-Finnish) descent in gnomAD. At this time, the clinical significance of this variant is uncertain due to the absence of conclusive functional and genetic evidence.

Labcorp Genetics (formerly Invitae), Labcorp
Classification: Uncertain significance for 3-methylglutaconic aciduria, type VIIB. Last evaluated: 2025-07-24. Review status: criteria provided, single submitter. Criteria: Invitae Variant Classification Sherloc (09022015). Collection method: clinical testing. Allele origin: germline.
Comment: This sequence change replaces glutamine, which is neutral and polar, with glutamic acid, which is acidic and polar, at codon 326 of the CLPB protein (p.Gln326Glu). This variant is present in population databases (no rsID available, gnomAD 0.003%). This variant has not been reported in the literature in individuals affected with CLPB-related conditions. ClinVar contains an entry for this variant (Variation ID: 2186097). An algorithm developed to predict the effect of missense changes on protein structure and function (PolyPhen-2) suggests that this variant is likely to be tolerated. In summary, the available evidence is currently insufficient to determine the role of this variant in disease. Therefore, it has been classified as a Variant of Uncertain Significance.

Ambry Genetics
Classification: Uncertain significance for Inborn genetic diseases. Last evaluated: 2022-06-21. Review status: criteria provided, single submitter. Criteria: Ambry Variant Classification Scheme 2023. Collection method: clinical testing. Allele origin: germline.

NM_001258392.3(CLPB):c.886C>G (p.Gln296Glu)

Gene: CLPB (ClpB family mitochondrial disaggregase; minus strand). Cytogenetic location: 11q13.4.
Variant type: single nucleotide variant.
Coding change: c.886C>G on transcript NM_001258392.3 (MANE Select); coding-DNA position 886, C replaced by G.
Protein change: p.Gln296Glu; replaces glutamine 296 with glutamic acid.
Molecular consequence: missense variant.
Genome position (GRCh38, 1-based): chr11:72,317,208, G>C on the plus strand (C>G on the coding strand, the complement: CLPB is on the minus strand). VCF-style: chr11-72317208-G-C. GRCh37 (hg19) VCF-style: chr11-72028252-G-C.
Other names: c.799C>G, p.Gln267Glu (NM_001258393.3); c.841C>G, p.Gln281Glu (NM_001258394.3); c.976C>G, p.Gln326Glu (NM_030813.6); c.976C>G (NM_030813.5, NM_030813.3); short protein forms Q267E, Q296E, Q281E, Q326E.
Identifiers: ClinVar variation 2186097 (VCV002186097.6), dbSNP rs1172064600, ClinGen allele CA381738709.